The following is an entry in ClinVar:

NM_001080467.3(MYO5B):c.2343G>C (p.Lys781Asn)

Gene: MYO5B (myosin VB; minus strand). Cytogenetic location: 18q21.1.
Variant type: single nucleotide variant.
Coding change: c.2343G>C on transcript NM_001080467.3 (MANE Select); coding-DNA position 2343, G replaced by C.
Protein change: p.Lys781Asn; replaces lysine 781 with asparagine.
Molecular consequence: missense variant.
Genome position (GRCh38, 1-based): chr18:49,906,490, C>G on the plus strand (G>C on the coding strand, the complement: MYO5B is on the minus strand). VCF-style: chr18-49906490-C-G. GRCh37 (hg19) VCF-style: chr18-47432860-C-G.
Other names: short protein forms K781N.
Identifiers: ClinVar variation 783069 (VCV000783069.46), dbSNP rs61737448, ClinGen allele CA8961118.
Genomic context (GRCh38, chr18:49,906,490, plus strand): 5'-GTGTCCCCGGCAGTACCTCTGCAGGGTTAAGGTAGCCCCCTTCAGCCTGTGATATTTCAC[C>G]TTCTGCAGCCATCCCCGGACAGTTTTCTGGATCATGATGGTGGCTGTCCGGAACTTGTCA-3'
Protein context (NP_001073936.1, residues 771-791): IQKTVRGWLQ[Lys781Asn]VKYHRLKGAT

ClinVar aggregate classification (germline): Benign/Likely benign. Review status: criteria provided, multiple submitters, no conflicts (2 of 4 stars). 6 submissions from 6 submitters: Benign (3); Likely benign (2). 1 of the submissions does not count toward it. Last evaluated 2026-01-28.

Conditions:
Congenital microvillous atrophy (DIAR2). Also called: MICROVILLUS ATROPHY, CONGENITAL; CONGENITAL FAMILIAL PROTRACTED DIARRHEA WITH ENTEROCYTE BRUSH-BORDER ABNORMALITIES; DAVIDSON DISEASE; Diarrhea 2 with microvillus atrophy, with or without cholestasis; Microvillus inclusion disease. Identifiers: Orphanet 2290, MedGen C0341306, MONDO:0009635, OMIM 251850.
MYO5B-related disorder. Also called: MYO5B-related condition.

Allele frequency attached by ClinVar (database versions not stated): ESP Exome Variant Server 0.00164; gnomAD 0.00187 and 0.00190; 1000 Genomes Project 0.00200; 1000 Genomes Project 30x 0.00203; TOPMed 0.00242.
gnomAD v4.1: 3,467 of 1,614,194 alleles (0.21%); highest among the groups gnomAD compares: Middle Eastern, 2%; 20 homozygotes.

Submissions (6):

Labcorp Genetics (formerly Invitae), Labcorp
Classification: Benign. Last evaluated: 2026-01-28. Review status: criteria provided, single submitter. Criteria: Invitae Variant Classification Sherloc (09022015). Collection method: clinical testing. Allele origin: germline.

CeGaT Center for Human Genetics Tuebingen
Classification: Benign. Last evaluated: 2025-04-01. Review status: criteria provided, single submitter. Criteria: CeGaT Center For Human Genetics Tuebingen Variant Classification Criteria Version 2. Collection method: clinical testing. Allele origin: germline. Affected: yes. Observed: 4 variant alleles.
Comment: MYO5B: BS1, BS2

Genetic Services Laboratory, University of Chicago
Classification: Benign. Last evaluated: 2021-08-09. Review status: criteria provided, single submitter. Criteria: ACMG Guidelines, 2015. Collection method: clinical testing. Allele origin: germline. Affected: no.

Illumina Laboratory Services, Illumina
Classification: Likely benign for Congenital microvillous atrophy. Last evaluated: 2018-01-13. Review status: criteria provided, single submitter. Criteria: ICSL Variant Classification Criteria 13 December 2019. Collection method: clinical testing. Allele origin: germline.
Comment: This variant was observed in the ICSL laboratory as part of a predisposition screen in an ostensibly healthy population. It had not been previously curated by ICSL or reported in the Human Gene Mutation Database (HGMD: prior to June 1st, 2018), and was therefore a candidate for classification through an automated scoring system. Utilizing variant allele frequency, disease prevalence and penetrance estimates, and inheritance mode, an automated score was calculated to assess if this variant is too frequent to cause the disease. Based on the score and internal cut-off values, a variant classified as likely benign is not then subjected to further curation. The score for this variant resulted in a classification of likely benign for this disease.

Breakthrough Genomics
Classification: Likely benign. Review status: criteria provided, single submitter. Criteria: ACMG Guidelines, 2015. Collection method: not provided. Allele origin: germline. Inheritance: Autosomal recessive inheritance. Affected: yes.

PreventionGenetics, part of Exact Sciences
Classification: Likely benign for MYO5B-related condition. Last evaluated: 2019-09-19. Review status: no assertion criteria provided. Collection method: clinical testing. Allele origin: germline. Not counted in ClinVar's aggregate classification.
Comment: This variant is classified as likely benign based on ACMG/AMP sequence variant interpretation guidelines (Richards et al. 2015 PMID: 25741868, with internal and published modifications).